The following is an entry in ClinVar:

ClinVar aggregate classification (germline): Uncertain significance (1 of 4 stars; one submission).

Allele frequency attached by ClinVar (database versions not stated): ExAC 0.00001.

Submission:

Labcorp Genetics (formerly Invitae), Labcorp
Classification: Uncertain significance. Last evaluated: 2022-05-31. Review status: criteria provided, single submitter. Criteria: Invitae Variant Classification Sherloc (09022015). Collection method: clinical testing. Allele origin: germline.
Comment: This sequence change replaces glycine, which is neutral and non-polar, with glutamic acid, which is acidic and polar, at codon 506 of the C8A protein (p.Gly506Glu). This variant is present in population databases (rs776053875, gnomAD 0.0009%). This variant has not been reported in the literature in individuals affected with C8A-related conditions. Algorithms developed to predict the effect of missense changes on protein structure and function (SIFT, PolyPhen-2, Align-GVGD) all suggest that this variant is likely to be disruptive. In summary, the available evidence is currently insufficient to determine the role of this variant in disease. Therefore, it has been classified as a Variant of Uncertain Significance.

NM_000562.3(C8A):c.1517G>A (p.Gly506Glu)

Gene: C8A (complement C8 alpha chain; plus strand). Cytogenetic location: 1p32.2.
Variant type: single nucleotide variant.
Coding change: c.1517G>A on transcript NM_000562.3 (MANE Select); coding-DNA position 1517, G replaced by A.
Protein change: p.Gly506Glu; replaces glycine 506 with glutamic acid.
Molecular consequence: missense variant.
Genome position (GRCh38, 1-based): chr1:56,912,539, G>A. VCF-style: chr1-56912539-G-A. GRCh37 (hg19) VCF-style: chr1-57378212-G-A.
Other names: short protein forms G506E.
Identifiers: ClinVar variation 2134142 (VCV002134142.1), dbSNP rs776053875, ClinGen allele CA875415.
Genomic context (GRCh38, chr1:56,912,539, plus strand): 5'-CCTTGGACCAGTATCTGATGGAATTCAATGCCTGCCGATGTGGGCCTTGCTTCAACAATG[G>A]GGTGCCCATCCTCGAGGGCACCAGCTGCAGGTGCCAGTGCCGCCTGGGTAGCTTGGGTGC-3'
Protein context (NP_000553.1, residues 496-516): ACRCGPCFNN[Gly506Glu]VPILEGTSCR